The following is an entry in ClinVar:

NM_145046.5(CALR3):c.833G>A (p.Arg278His)

Gene: CALR3 (calreticulin 3; minus strand). Cytogenetic location: 19p13.11.
Variant type: single nucleotide variant.
Coding change: c.833G>A on transcript NM_145046.5 (MANE Select); coding-DNA position 833, G replaced by A.
Protein change: p.Arg278His; replaces arginine 278 with histidine.
Molecular consequence: missense variant.
Genome position (GRCh38, 1-based): chr19:16,482,535, C>T on the plus strand (G>A on the coding strand, the complement: CALR3 is on the minus strand). VCF-style: chr19-16482535-C-T. GRCh37 (hg19) VCF-style: chr19-16593346-C-T.
Other names: short protein forms R278H.
Identifiers: ClinVar variation 520244 (VCV000520244.13), dbSNP rs1247489343, ClinGen allele CA404607931.

ClinVar aggregate classification (germline): Uncertain significance. Review status: criteria provided, multiple submitters, no conflicts (2 of 4 stars). 2 submissions from 2 submitters: Uncertain significance (2). Last evaluated 2025-12-29.

Conditions:
Hypertrophic cardiomyopathy 19. Also called: Familial hypertrophic cardiomyopathy 19. Identifiers: MedGen CN077603, MONDO:0013476.
Cardiovascular phenotype. Identifiers: MedGen CN230736.

Allele frequency attached by ClinVar (database versions not stated): TOPMed 0.00001.
gnomAD v4.1: 32 of 1,614,086 alleles (0.002%); highest among the groups gnomAD compares: Middle Eastern, 0.016%; no homozygotes.

Submissions (2):

Labcorp Genetics (formerly Invitae), Labcorp
Classification: Uncertain significance for Hypertrophic cardiomyopathy 19. Last evaluated: 2025-12-29. Review status: criteria provided, single submitter. Criteria: Invitae Variant Classification Sherloc (09022015). Collection method: clinical testing. Allele origin: germline.
Comment: This sequence change replaces arginine, which is basic and polar, with histidine, which is basic and polar, at codon 278 of the CALR3 protein (p.Arg278His). This variant is present in population databases (no rsID available, gnomAD 0.002%). This missense change has been observed in individual(s) with hypertrophic cardiomyopathy and dilated cardiomyopathy (PMID: 29988065, 30847666). ClinVar contains an entry for this variant (Variation ID: 520244). Invitae Evidence Modeling of protein sequence and biophysical properties (such as structural, functional, and spatial information, amino acid conservation, physicochemical variation, residue mobility, and thermodynamic stability) indicates that this missense variant is not expected to disrupt CALR3 protein function with a negative predictive value of 80%. In summary, the available evidence is currently insufficient to determine the role of this variant in disease. Therefore, it has been classified as a Variant of Uncertain Significance.

Ambry Genetics
Classification: Uncertain significance for Cardiovascular phenotype. Last evaluated: 2013-10-16. Review status: criteria provided, single submitter. Criteria: Ambry Autosomal Dominant and X-Linked criteria (10/2015). Collection method: clinical testing. Allele origin: germline. Observed: 1 variant allele.
Comment: The p.R278H variant (also known as c.833G>A) is located in coding exon 7 of the CALR3gene. This alteration results from a G to A substitution at nucleotide position 833. The arginine at codon 278 is replaced by histidine, an amino acid with highly similar properties. This variant was not reported in population-based cohorts in the following databases: Database of Single Nucleotide Polymorphisms (dbSNP), the 1000 Genomes Project and the NHLBI Exome Sequencing Project (ESP). In the ESP, this variant was not observed in 6503 samples (13006 alleles) with coverage at this position. Based on protein sequence alignment, this amino acidposition is poorly conserved in available vertebrate species, with histidine as the reference amino acid in three species. In addition, this alteration is predicted to be benign and tolerated by PolyPhen and SIFT in silico analyses, respectively.This variant has been detected in conjunction with a pathogenic mutation inMYBPC3by our laboratory. Since supporting evidence is limited at this time, the clinical significance of this variant remains unclear.

Literature cited by the submitters: PubMed 29988065 (cited by Labcorp Genetics (formerly Invitae), Labcorp); PubMed 30847666 (cited by Labcorp Genetics (formerly Invitae), Labcorp).